The following is an entry in ClinVar:

ClinVar aggregate classification (germline): Uncertain significance (1 of 4 stars; one submission).

Conditions:
Inborn genetic diseases. Identifiers: MedGen C0950123, MeSH D030342.

gnomAD v4.1: 2 of 1,611,946 alleles (0.00012%); highest among the groups gnomAD compares: Non-Finnish European, 0.00017%; no homozygotes.

Submission:

Ambry Genetics
Classification: Uncertain significance for Inborn genetic diseases. Last evaluated: 2024-12-22. Review status: criteria provided, single submitter. Criteria: Ambry Variant Classification Scheme 2023. Collection method: clinical testing. Allele origin: germline.
Comment: The p.Q1288E variant (also known as c.3862C>G), located in coding exon 26 of the ANKRD26 gene, results from a C to G substitution at nucleotide position 3862. The glutamine at codon 1288 is replaced by glutamic acid, an amino acid with highly similar properties. This amino acid position is conserved. In addition, this alteration is predicted to be tolerated by in silico analysis. Based on the available evidence, the clinical significance of this variant remains unclear.

NM_014915.3(ANKRD26):c.3862C>G (p.Gln1288Glu)

Gene: ANKRD26 (ankyrin repeat domain containing 26; minus strand). Cytogenetic location: 10p12.1.
Variant type: single nucleotide variant.
Coding change: c.3862C>G on transcript NM_014915.3 (MANE Select); coding-DNA position 3862, C replaced by G.
Protein change: p.Gln1288Glu; replaces glutamine 1288 with glutamic acid.
Molecular consequence: missense variant.
Genome position (GRCh38, 1-based): chr10:27,029,302, G>C on the plus strand (C>G on the coding strand, the complement: ANKRD26 is on the minus strand). VCF-style: chr10-27029302-G-C. GRCh37 (hg19) VCF-style: chr10-27318231-G-C.
Other names: c.3859C>G, p.Gln1287Glu (NM_001256053.2); short protein forms Q1287E, Q1288E.
Identifiers: ClinVar variation 3869570 (VCV003869570.1).
Genomic context (GRCh38, chr10:27,029,302, plus strand): 5'-TCTATAAATAATCATGTTTTTCTGTGTGCTGCTTTAAATTTTACTTTTGCTTGTGATCTT[G>C]CATCTTCTCAGCACATCTGACAGCTTCTGTATGTCGATCCTGTGCTTCTTGCAACTAAAA-3'
Protein context (NP_055730.2, residues 1278-1298): TEAVRCAEKM[Gln1288Glu]DHKQKLEKDN